The following is an entry in ClinVar:

NM_001364171.2(ODAD1):c.1581+5G>A

Gene: ODAD1 (outer dynein arm docking complex subunit 1; minus strand). Cytogenetic location: 19q13.33.
Variant type: single nucleotide variant.
Coding change: c.1581+5G>A on transcript NM_001364171.2 (MANE Select); 5 bases into the intron after coding-DNA position 1581, G replaced by A.
Molecular consequence: intron variant.
Genome position (GRCh38, 1-based): chr19:48,297,585, C>T on the plus strand (G>A on the coding strand, the complement: ODAD1 is on the minus strand). VCF-style: chr19-48297585-C-T. GRCh37 (hg19) VCF-style: chr19-48800842-C-T.
Other names: c.1470+5G>A (NM_144577.4).
Identifiers: ClinVar variation 659914 (VCV000659914.1), dbSNP rs773996867, ClinGen allele CA9548641.
Genomic context (GRCh38, chr19:48,297,585, plus strand): 5'-GGAAGGTGAACTGGGCCCCGACACACACTGAGGCCTGGCCCCACCCCCGCAGGCCCCACT[C>T]TCACCAGCTTCTCCACTTGGCTCAGCAGCTCCTCCCTGCTCATGGGGTAGTCATCGCTGG-3'

ClinVar aggregate classification (germline): Uncertain significance (1 of 4 stars; one submission).

Conditions:
Primary ciliary dyskinesia. Also called: Ciliary dyskinesia. Identifiers: Orphanet 244, MedGen C0008780, MONDO:0016575, HP:0012265.

Allele frequency attached by ClinVar (database versions not stated): TOPMed 0.00002; gnomAD exomes 0.00003 and 0.00006; gnomAD 0.00004; ExAC 0.00007.
gnomAD v4.1: 93 of 1,557,318 alleles (0.006%); highest among the groups gnomAD compares: Middle Eastern, 0.017%; no homozygotes.

Submission:

Labcorp Genetics (formerly Invitae), Labcorp
Classification: Uncertain significance for Primary ciliary dyskinesia. Last evaluated: 2018-12-27. Review status: criteria provided, single submitter. Criteria: Invitae Variant Classification Sherloc (09022015). Collection method: clinical testing. Allele origin: germline.
Comment: This sequence change falls in intron 13 of the CCDC114 gene. It does not directly change the encoded amino acid sequence of the CCDC114 protein, but it affects a nucleotide within the consensus splice site of the intron. This variant is present in population databases (rs773996867, ExAC 0.02%). This variant has not been reported in the literature in individuals with CCDC114-related conditions. Nucleotide substitutions within the consensus splice site are a relatively common cause of aberrant splicing (PMID: 17576681, 9536098). Algorithms developed to predict the effect of sequence changes on RNA splicing suggest that this variant may disrupt the consensus splice site, but this prediction has not been confirmed by published transcriptional studies. In summary, the available evidence is currently insufficient to determine the role of this variant in disease. Therefore, it has been classified as a Variant of Uncertain Significance.